The following is an entry in ClinVar:

ClinVar aggregate classification (germline): Pathogenic (1 of 4 stars; one submission).

Conditions:
Hereditary cancer-predisposing syndrome. Also called: Hereditary neoplastic syndrome; Neoplastic Syndromes, Hereditary; Tumor predisposition; Hereditary Cancer Syndrome. Identifiers: Orphanet 140162, MedGen C0027672, MeSH D009386, MONDO:0015356.

Submission:

Ambry Genetics
Classification: Pathogenic for Hereditary cancer-predisposing syndrome. Last evaluated: 2024-12-27. Review status: criteria provided, single submitter. Criteria: Ambry Variant Classification Scheme 2023. Collection method: clinical testing. Allele origin: germline.
Comment: The c.1703dupC pathogenic mutation, located in coding exon 9 of the BRCA2 gene, results from a duplication of C at nucleotide position 1703, causing a translational frameshift with a predicted alternate stop codon (p.Q569Tfs*21). This variant is considered to be rare based on population cohorts in the Genome Aggregation Database (gnomAD). This alteration is expected to result in loss of function by premature protein truncation or nonsense-mediated mRNA decay. As such, this alteration is interpreted as a disease-causing mutation.

NM_000059.4(BRCA2):c.1703dup (p.Gln569fs)

Gene: BRCA2 (BRCA2 DNA repair associated; plus strand). Cytogenetic location: 13q13.1.
Variant type: Duplication.
Coding change: c.1703dup on transcript NM_000059.4 (MANE Select); coding-DNA position 1703, one base duplicated (C; older notation c.1703dupC).
Protein change: p.Gln569fs; shifts the reading frame from glutamine 569.
Molecular consequence: frameshift variant. On other transcripts: non-coding transcript variant (1), intron variant (1).
Genome position (GRCh38, 1-based): chr13:32,333,181, C duplicated. VCF-style (leftmost placement, unchanged base first): chr13-32333180-A-AC. GRCh37 (hg19) VCF-style: chr13-32907317-A-AC.
Other names: c.1703dup, p.Gln569fs (NM_001406719.1, NM_001406720.1, NM_001406721.1 and 1 more transcripts); c.424+2151dup (NM_001406722.1); c.1703dupC (NM_000059.3); short protein forms Q569fs.
Identifiers: ClinVar variation 3825388 (VCV003825388.1).